The following is an entry in ClinVar:

NM_003737.4(DCHS1):c.5764T>C (p.Cys1922Arg)

Gene: DCHS1 (dachsous cadherin-related 1; minus strand). Cytogenetic location: 11p15.4.
Variant type: single nucleotide variant.
Coding change: c.5764T>C on transcript NM_003737.4 (MANE Select); coding-DNA position 5764, T replaced by C.
Protein change: p.Cys1922Arg; replaces cysteine 1922 with arginine.
Molecular consequence: missense variant.
Genome position (GRCh38, 1-based): chr11:6,627,275, A>G on the plus strand (T>C on the coding strand, the complement: DCHS1 is on the minus strand). VCF-style: chr11-6627275-A-G. GRCh37 (hg19) VCF-style: chr11-6648506-A-G.
Other names: short protein forms C1922R.
Identifiers: ClinVar variation 2874793 (VCV002874793.3), dbSNP rs374881993, ClinGen allele CA5860031.

ClinVar aggregate classification (germline): Uncertain significance (1 of 4 stars; one submission).

Allele frequency attached by ClinVar (database versions not stated): ExAC 0.00001; gnomAD exomes 0.00001; TOPMed 0.00001; ESP Exome Variant Server 0.00008.

Submission:

Labcorp Genetics (formerly Invitae), Labcorp
Classification: Uncertain significance. Last evaluated: 2024-07-30. Review status: criteria provided, single submitter. Criteria: Invitae Variant Classification Sherloc (09022015). Collection method: clinical testing. Allele origin: germline.
Comment: This sequence change replaces cysteine, which is neutral and slightly polar, with arginine, which is basic and polar, at codon 1922 of the DCHS1 protein (p.Cys1922Arg). This variant is present in population databases (rs374881993, gnomAD 0.0009%). This variant has not been reported in the literature in individuals affected with DCHS1-related conditions. Advanced modeling of protein sequence and biophysical properties (such as structural, functional, and spatial information, amino acid conservation, physicochemical variation, residue mobility, and thermodynamic stability) performed at Invitae indicates that this missense variant is not expected to disrupt DCHS1 protein function with a negative predictive value of 80%. In summary, the available evidence is currently insufficient to determine the role of this variant in disease. Therefore, it has been classified as a Variant of Uncertain Significance.